The following is an entry in ClinVar:

NM_004369.4(COL6A3):c.4309A>C (p.Ile1437Leu)

Gene: COL6A3 (collagen type VI alpha 3 chain; minus strand). Cytogenetic location: 2q37.3.
Variant type: single nucleotide variant.
Coding change: c.4309A>C on transcript NM_004369.4 (MANE Select); coding-DNA position 4309, A replaced by C.
Protein change: p.Ile1437Leu; replaces isoleucine 1437 with leucine.
Molecular consequence: missense variant.
Genome position (GRCh38, 1-based): chr2:237,369,154, T>G on the plus strand (A>C on the coding strand, the complement: COL6A3 is on the minus strand). VCF-style: chr2-237369154-T-G. GRCh37 (hg19) VCF-style: chr2-238277797-T-G.
Other names: c.2488A>C, p.Ile830Leu (NM_057166.5); c.3691A>C, p.Ile1231Leu (NM_057167.4); short protein forms I1231L, I1437L, I830L.
Identifiers: ClinVar variation 1363169 (VCV001363169.8), dbSNP rs144314743, ClinGen allele CA2188919.

ClinVar aggregate classification (germline): Uncertain significance (1 of 4 stars; one submission).

Conditions:
Bethlem myopathy 1A. Also called: MYOPATHY, BENIGN CONGENITAL, WITH CONTRACTURES; Bethlem Muscular Dystrophy; Bethlem myopathy 1. Identifiers: Orphanet 610, MedGen CN029274, MONDO:0024530, OMIM 158810.

gnomAD v4.1: 4 of 1,612,530 alleles (0.00025%); highest among the groups gnomAD compares: Admixed American, 0.0017%; no homozygotes.

Submission:

Labcorp Genetics (formerly Invitae), Labcorp
Classification: Uncertain significance for Bethlem myopathy 1A. Last evaluated: 2024-12-12. Review status: criteria provided, single submitter. Criteria: Invitae Variant Classification Sherloc (09022015). Collection method: clinical testing. Allele origin: germline.
Comment: This sequence change replaces isoleucine, which is neutral and non-polar, with leucine, which is neutral and non-polar, at codon 1437 of the COL6A3 protein (p.Ile1437Leu). This variant is present in population databases (rs144314743, gnomAD 0.003%). This variant has not been reported in the literature in individuals affected with COL6A3-related conditions. ClinVar contains an entry for this variant (Variation ID: 1363169). Invitae Evidence Modeling of protein sequence and biophysical properties (such as structural, functional, and spatial information, amino acid conservation, physicochemical variation, residue mobility, and thermodynamic stability) indicates that this missense variant is not expected to disrupt COL6A3 protein function with a negative predictive value of 80%. In summary, the available evidence is currently insufficient to determine the role of this variant in disease. Therefore, it has been classified as a Variant of Uncertain Significance.